The following is an entry in ClinVar:

NM_001243177.4(ALDOA):c.524G>A (p.Gly175Asp)

Genes: ALDOA (aldolase, fructose-bisphosphate A; plus strand), LOC112694756 (uncharaterized LOC112694756; plus strand). Cytogenetic location: 16p11.2.
Variant type: single nucleotide variant.
Coding change: c.524G>A on transcript NM_001243177.4 (MANE Select); coding-DNA position 524, G replaced by A.
Protein change: p.Gly175Asp; replaces glycine 175 with aspartic acid.
Molecular consequence: missense variant. On other transcripts: 3 prime UTR variant (3).
Genome position (GRCh38, 1-based): chr16:30,068,683, G>A. VCF-style: chr16-30068683-G-A. GRCh37 (hg19) VCF-style: chr16-30080004-G-A.
Other names: c.*871G>A (NM_001365304.2, NM_001365305.2, NM_001365307.2); c.362G>A, p.Gly121Asp (NM_001127617.2, NM_184041.5, NM_184043.2); short protein forms G175D, G121D.
Identifiers: ClinVar variation 2098243 (VCV002098243.4), dbSNP rs1212631216, ClinGen allele CA395487623.

ClinVar aggregate classification (germline): Uncertain significance (1 of 4 stars; one submission).

Conditions:
HNSHA due to aldolase A deficiency (GSD12). Also called: GLYCOGEN STORAGE DISEASE XII; GSD XII; RED CELL ALDOLASE DEFICIENCY; Glycogen storage disease due to aldolase A deficiency. Identifiers: Orphanet 57, MedGen C0272066, MONDO:0012747, OMIM 611881.

Submission:

Labcorp Genetics (formerly Invitae), Labcorp
Classification: Uncertain significance for HNSHA due to aldolase A deficiency. Last evaluated: 2025-06-20. Review status: criteria provided, single submitter. Criteria: Invitae Variant Classification Sherloc (09022015). Collection method: clinical testing. Allele origin: germline.
Comment: This sequence change replaces glycine, which is neutral and non-polar, with aspartic acid, which is acidic and polar, at codon 121 of the ALDOA protein (p.Gly121Asp). This variant is not present in population databases (gnomAD no frequency). This variant has not been reported in the literature in individuals affected with ALDOA-related conditions. ClinVar contains an entry for this variant (Variation ID: 2098243). An algorithm developed to predict the effect of missense changes on protein structure and function (PolyPhen-2) suggests that this variant is likely to be tolerated. In summary, the available evidence is currently insufficient to determine the role of this variant in disease. Therefore, it has been classified as a Variant of Uncertain Significance.